The following is an entry in ClinVar:

NM_001044385.3(TMEM237):c.395+7A>G

Gene: TMEM237 (transmembrane protein 237; minus strand). Cytogenetic location: 2q33.1.
Variant type: single nucleotide variant.
Coding change: c.395+7A>G on transcript NM_001044385.3 (MANE Select); 7 bases into the intron after coding-DNA position 395, A replaced by G.
Molecular consequence: intron variant.
Genome position (GRCh38, 1-based): chr2:201,633,304, T>C on the plus strand (A>G on the coding strand, the complement: TMEM237 is on the minus strand). VCF-style: chr2-201633304-T-C. GRCh37 (hg19) VCF-style: chr2-202498027-T-C.
Other names: p.?; c.371+7A>G (NM_152388.4).
Identifiers: ClinVar variation 130593 (VCV000130593.22), dbSNP rs78297522, ClinGen allele CA155728.

ClinVar aggregate classification (germline): Benign. Review status: criteria provided, multiple submitters, no conflicts (2 of 4 stars). 6 submissions from 6 submitters: Benign (5). 1 of the submissions does not count toward it. Last evaluated 2026-02-01.

Conditions:
Joubert syndrome 14 (JBTS14). Identifiers: MedGen C3280766, MONDO:0013745, OMIM 614424.

Allele frequency attached by ClinVar (database versions not stated): gnomAD exomes 0.00250 and 0.00809; ExAC 0.01425; gnomAD 0.01839 and 0.01932; ESP Exome Variant Server 0.01846; TOPMed 0.02163; 1000 Genomes Project 0.02596; 1000 Genomes Project 30x 0.02873.
gnomAD v4.1: 6,587 of 1,595,658 alleles (0.41%); highest among the groups gnomAD compares: African/African-American, 5.7%; 168 homozygotes.

Submissions (6):

Labcorp Genetics (formerly Invitae), Labcorp
Classification: Benign for Joubert syndrome 14. Last evaluated: 2026-02-01. Review status: criteria provided, single submitter. Criteria: Invitae Variant Classification Sherloc (09022015). Collection method: clinical testing. Allele origin: germline.

Mayo Clinic Laboratories, Mayo Clinic
Classification: Benign. Last evaluated: 2022-03-09. Review status: criteria provided, single submitter. Criteria: ACMG Guidelines, 2015. Collection method: clinical testing. Allele origin: germline. Observed: 2 variant alleles.

Illumina Laboratory Services, Illumina
Classification: Benign for Joubert syndrome 14. Last evaluated: 2018-01-13. Review status: criteria provided, single submitter. Criteria: ICSL Variant Classification Criteria 13 December 2019. Collection method: clinical testing. Allele origin: germline.
Comment: This variant was observed in the ICSL laboratory as part of a predisposition screen in an ostensibly healthy population. It had not been previously curated by ICSL or reported in the Human Gene Mutation Database (HGMD: prior to June 1st, 2018), and was therefore a candidate for classification through an automated scoring system. Utilizing variant allele frequency, disease prevalence and penetrance estimates, and inheritance mode, an automated score was calculated to assess if this variant is too frequent to cause the disease. Based on the score and internal cut-off values, a variant classified as benign is not then subjected to further curation. The score for this variant resulted in a classification of benign for this disease.

GeneDx
Classification: Benign. Last evaluated: 2015-03-03. Review status: criteria provided, single submitter. Criteria: GeneDx Variant Classification Process June 2021. Collection method: clinical testing. Allele origin: germline. Affected: yes.

Breakthrough Genomics
Classification: Benign. Review status: criteria provided, single submitter. Criteria: ACMG Guidelines, 2015. Collection method: not provided. Allele origin: germline. Inheritance: Autosomal recessive inheritance. Affected: yes.

Genetic Services Laboratory, University of Chicago
Classification: Likely benign for AllHighlyPenetrant. Review status: no assertion criteria provided. Collection method: clinical testing. Allele origin: germline. Inheritance: Autosomal recessive inheritance. Not counted in ClinVar's aggregate classification.
Comment: Likely benign based on allele frequency in 1000 Genomes Project or ESP global frequency and its presence in a patient with a rare or unrelated disease phenotype. NOT Sanger confirmed.